The following is an entry in ClinVar:

NC_000002.12:g.32266544T>A

Gene: NLRC4 (NLR family CARD domain containing 4; minus strand). Cytogenetic location: 2p22.3.
Variant type: single nucleotide variant.
Genome position: GRCh38 VCF-style: chr2-32266544-T-A. GRCh37 (hg19) VCF-style: chr2-32491613-T-A.
Identifiers: ClinVar variation 102940 (VCV000102940.2), dbSNP rs199475948, ClinGen allele CA229903.

ClinVar aggregate classification (germline): not provided (0 of 4 stars; one submission).

Allele frequency attached by ClinVar (database versions not stated): gnomAD 0.00001; TOPMed 0.00001.

Submission:

Human Evolutionary Genetics, Institut Pasteur
No classification provided. Review status: no classification provided. Collection method: not provided. Allele origin: germline.
ClinVar note: Converted during submission from untested to not provided.